The following is an entry in ClinVar:

NM_001035.3(RYR2):c.3053A>C (p.Tyr1018Ser)

Gene: RYR2 (ryanodine receptor 2; plus strand). Cytogenetic location: 1q43.
Variant type: single nucleotide variant.
Coding change: c.3053A>C on transcript NM_001035.3 (MANE Select); coding-DNA position 3053, A replaced by C.
Protein change: p.Tyr1018Ser; replaces tyrosine 1018 with serine.
Molecular consequence: missense variant.
Genome position (GRCh38, 1-based): chr1:237,548,577, A>C. VCF-style: chr1-237548577-A-C. GRCh37 (hg19) VCF-style: chr1-237711877-A-C.
Other names: short protein forms Y1018S.
Identifiers: ClinVar variation 5009940 (VCV005009940.1).

ClinVar aggregate classification (germline): Uncertain significance (1 of 4 stars; one submission).

Submission:

GeneDx
Classification: Uncertain significance. Last evaluated: 2026-02-26. Review status: criteria provided, single submitter. Criteria: GeneDx Variant Classification Process June 2021. Collection method: clinical testing. Allele origin: germline.
Comment: Not observed at significant frequency in large population cohorts (gnomAD); In silico analysis supports that this missense variant has a deleterious effect on protein structure/function; Has not been previously published as pathogenic or benign to our knowledge; Not located in one of the three hot-spot regions of the RYR2 gene, where the majority of pathogenic missense variants occur (PMID: 19926015); This variant is associated with the following publications: (PMID: 19926015)